The following is an entry in ClinVar:

ClinVar aggregate classification (germline): Uncertain significance (1 of 4 stars; one submission).

Conditions:
Leber congenital amaurosis 1 (LCA1). Also called: AMAUROSIS CONGENITA OF LEBER I; RETINAL BLINDNESS, CONGENITAL; Congenital absence of the rods and cones; Leber's congenital tapetoretinal degeneration; Leber's congenital tapetoretinal dysplasia. Identifiers: Orphanet 65, MedGen C2931258, MONDO:0008764, OMIM 204000.
Cone-rod dystrophy 6 (CORD6). Also called: RETINAL CONE DYSTROPHY 2; Cone dystrophy progressive. Identifiers: Orphanet 1872, MedGen C1866293, MONDO:0011143, OMIM 601777.

gnomAD v4.1: 1 of 1,601,016 alleles (0.000062%); highest among the groups gnomAD compares: Non-Finnish European, 0.000085%; no homozygotes.

Submission:

Labcorp Genetics (formerly Invitae), Labcorp
Classification: Uncertain significance for Leber congenital amaurosis 1; Cone-rod dystrophy 6. Last evaluated: 2025-12-23. Review status: criteria provided, single submitter. Criteria: Invitae Variant Classification Sherloc (09022015). Collection method: clinical testing. Allele origin: germline.
Comment: This sequence change replaces aspartic acid, which is acidic and polar, with histidine, which is basic and polar, at codon 352 of the GUCY2D protein (p.Asp352His). This variant is present in population databases (rs773563136, gnomAD 0.0009%). This variant has not been reported in the literature in individuals affected with GUCY2D-related conditions. Invitae Evidence Modeling of protein sequence and biophysical properties (such as structural, functional, and spatial information, amino acid conservation, physicochemical variation, residue mobility, and thermodynamic stability) indicates that this missense variant is not expected to disrupt GUCY2D protein function with a negative predictive value of 80%. In summary, the available evidence is currently insufficient to determine the role of this variant in disease. Therefore, it has been classified as a Variant of Uncertain Significance.

NM_000180.4(GUCY2D):c.1054G>C (p.Asp352His)

Gene: GUCY2D (guanylate cyclase 2D, retinal; plus strand). Cytogenetic location: 17p13.1.
Variant type: single nucleotide variant.
Coding change: c.1054G>C on transcript NM_000180.4 (MANE Select); coding-DNA position 1054, G replaced by C.
Protein change: p.Asp352His; replaces aspartic acid 352 with histidine.
Molecular consequence: missense variant.
Genome position (GRCh38, 1-based): chr17:8,006,390, G>C. VCF-style: chr17-8006390-G-C. GRCh37 (hg19) VCF-style: chr17-7909708-G-C.
Other names: short protein forms D352H.
Identifiers: ClinVar variation 4787943 (VCV004787943.1).